The following is an entry in ClinVar:

ClinVar aggregate classification (germline): Uncertain significance. Review status: criteria provided, multiple submitters, no conflicts (2 of 4 stars). 2 submissions from 2 submitters: Uncertain significance (2). Last evaluated 2025-09-21.

Conditions:
Inborn genetic diseases. Identifiers: MedGen C0950123, MeSH D030342.

Submissions (2):

Labcorp Genetics (formerly Invitae), Labcorp
Classification: Uncertain significance. Last evaluated: 2025-09-21. Review status: criteria provided, single submitter. Criteria: Invitae Variant Classification Sherloc (09022015). Collection method: clinical testing. Allele origin: germline.
Comment: This sequence change replaces lysine, which is basic and polar, with threonine, which is neutral and polar, at codon 880 of the HERC1 protein (p.Lys880Thr). This variant is not present in population databases (gnomAD no frequency). This variant has not been reported in the literature in individuals affected with HERC1-related conditions. ClinVar contains an entry for this variant (Variation ID: 3525100). Invitae Evidence Modeling of protein sequence and biophysical properties (such as structural, functional, and spatial information, amino acid conservation, physicochemical variation, residue mobility, and thermodynamic stability) indicates that this missense variant is not expected to disrupt HERC1 protein function with a negative predictive value of 80%. In summary, the available evidence is currently insufficient to determine the role of this variant in disease. Therefore, it has been classified as a Variant of Uncertain Significance.

Ambry Genetics
Classification: Uncertain significance for Inborn genetic diseases. Last evaluated: 2024-08-21. Review status: criteria provided, single submitter. Criteria: Ambry Variant Classification Scheme 2023. Collection method: clinical testing. Allele origin: germline.

NM_003922.4(HERC1):c.2639A>C (p.Lys880Thr)

Gene: HERC1 (HECT and RLD domain containing E3 ubiquitin protein ligase family member 1; minus strand). Cytogenetic location: 15q22.31.
Variant type: single nucleotide variant.
Coding change: c.2639A>C on transcript NM_003922.4 (MANE Select); coding-DNA position 2639, A replaced by C.
Protein change: p.Lys880Thr; replaces lysine 880 with threonine.
Molecular consequence: missense variant.
Genome position (GRCh38, 1-based): chr15:63,734,731, T>G on the plus strand (A>C on the coding strand, the complement: HERC1 is on the minus strand). VCF-style: chr15-63734731-T-G. GRCh37 (hg19) VCF-style: chr15-64026930-T-G.
Other names: short protein forms K880T.
Identifiers: ClinVar variation 3525100 (VCV003525100.2).